The following is an entry in ClinVar:

ClinVar aggregate classification (germline): Likely pathogenic (1 of 4 stars; one submission).

Conditions:
Intellectual developmental disorder, autosomal dominant 1. Also called: MBD5 Haploinsufficiency; Intellectual disability, autosomal dominant 1. Identifiers: Orphanet 228402, MedGen C1969562, MONDO:0007974, OMIM 156200.

Submission:

Clinical Genomics Laboratory, Washington University in St. Louis
Classification: Likely pathogenic for Intellectual developmental disorder, autosomal dominant 1. Last evaluated: 2025-10-16. Review status: criteria provided, single submitter. Criteria: ACMG Guidelines, 2015. Collection method: clinical testing. Allele origin: germline. Affected: yes.
Comment: The MBD5 c.3212del (p.Leu1071Argfs*12) variant, to our knowledge, has not been reported in the medical literature. This variant is absent from the general population (gnomAD v.4.1.0), indicating it is not a common variant. This variant causes a frameshift by deleting one nucleotide, leading to a premature termination codon, which is predicted to lead to nonsense mediated decay. Based on available information and the ACMG/AMP guidelines for variant interpretation (Richards S et al., PMID: 25741868), this variant is classified as likely pathogenic.

NM_001378120.1(MBD5):c.3212del (p.Leu1071fs)

Gene: MBD5 (methyl-CpG binding domain protein 5; plus strand). Cytogenetic location: 2q23.1.
Variant type: Deletion.
Coding change: c.3212del on transcript NM_001378120.1 (MANE Select); coding-DNA position 3212, one base deleted (T; older notation c.3212delT).
Protein change: p.Leu1071fs; shifts the reading frame from leucine 1071.
Molecular consequence: frameshift variant. On other transcripts: intron variant (6).
Genome position (GRCh38, 1-based): chr2:148,483,803, T deleted. VCF-style (leftmost placement, unchanged base first): chr2-148483802-CT-C. GRCh37 (hg19) VCF-style: chr2-149241371-CT-C.
Other names: c.3212del, p.Leu1071fs (NM_001438854.1, NM_001438856.1, NM_001438857.1 and 1 more transcripts); c.2845+367del (NM_018328.5, NM_001438862.1, NM_001438860.1 and 3 more transcripts); short protein forms L1071fs.
Identifiers: ClinVar variation 4879506 (VCV004879506.1).